The following is an entry in ClinVar:

NM_017934.7(PHIP):c.2479G>T (p.Val827Phe)

Gene: PHIP (PHIP subunit of CUL4-Ring ligase complex; minus strand). Cytogenetic location: 6q14.1.
Variant type: single nucleotide variant.
Coding change: c.2479G>T on transcript NM_017934.7 (MANE Select); coding-DNA position 2479, G replaced by T.
Protein change: p.Val827Phe; replaces valine 827 with phenylalanine.
Molecular consequence: missense variant.
Genome position (GRCh38, 1-based): chr6:78,985,410, C>A on the plus strand (G>T on the coding strand, the complement: PHIP is on the minus strand). VCF-style: chr6-78985410-C-A. GRCh37 (hg19) VCF-style: chr6-79695127-C-A.
Other names: short protein forms V827F.
Identifiers: ClinVar variation 3353486 (VCV003353486.3).

ClinVar aggregate classification (germline): Uncertain significance. Review status: criteria provided, single submitter (1 of 4 stars). 2 submissions from 2 submitters: Uncertain significance (1). 1 of the submissions does not count toward it. Last evaluated 2024-02-22.

Conditions:
PHIP-related disorder. Also called: PHIP-related condition; PHIP-related disorders.

gnomAD v4.1: 2 of 1,591,316 alleles (0.00013%); highest among the groups gnomAD compares: Admixed American, 0.0033%; no homozygotes.

Submissions (2):

Labcorp Genetics (formerly Invitae), Labcorp
Classification: Uncertain significance. Last evaluated: 2024-02-22. Review status: criteria provided, single submitter. Criteria: Invitae Variant Classification Sherloc (09022015). Collection method: clinical testing. Allele origin: germline.
Comment: This sequence change replaces valine, which is neutral and non-polar, with phenylalanine, which is neutral and non-polar, at codon 827 of the PHIP protein (p.Val827Phe). This variant is not present in population databases (gnomAD no frequency). This variant has not been reported in the literature in individuals affected with PHIP-related conditions. Experimental studies and prediction algorithms are not available or were not evaluated, and the functional significance of this variant is currently unknown. In summary, the available evidence is currently insufficient to determine the role of this variant in disease. Therefore, it has been classified as a Variant of Uncertain Significance.

PreventionGenetics, part of Exact Sciences
Classification: Uncertain significance for PHIP-related condition. Last evaluated: 2024-08-21. Review status: no assertion criteria provided. Collection method: clinical testing. Allele origin: germline. Not counted in ClinVar's aggregate classification.
Comment: The PHIP c.2479G>T variant is predicted to result in the amino acid substitution p.Val827Phe. To our knowledge, this variant has not been reported in the literature or in a large population database, indicating this variant is rare. At this time, the clinical significance of this variant is uncertain due to the absence of conclusive functional and genetic evidence.